The following is an entry in ClinVar:

ClinVar aggregate classification (germline): Uncertain significance. Review status: criteria provided, multiple submitters, no conflicts (2 of 4 stars). 2 submissions from 2 submitters: Uncertain significance (2). Last evaluated 2023-02-06.

Conditions:
Hypertrophic cardiomyopathy. Also called: HYPERTROPHIC MYOCARDIOPATHY. Identifiers: Orphanet 217569, MedGen C0007194, MeSH D002312, MONDO:0005045, HP:0001639.
Cardiomyopathy (CMYO). Also called: Cardiomyopathies. Identifiers: Orphanet 167848, MedGen C0878544, MONDO:0004994, HP:0001638. Inheritance: Various modes of inheritance.

Allele frequency attached by ClinVar (database versions not stated): TOPMed 0.00001.

Submissions (2):

Color Diagnostics, LLC DBA Color Health
Classification: Uncertain significance for Cardiomyopathy. Last evaluated: 2023-02-06. Review status: criteria provided, single submitter. Criteria: ACMG Guidelines, 2015. Collection method: clinical testing. Allele origin: germline.
Comment: This missense variant replaces aspartic acid with glutamic acid at codon 1033 of the MYH7 protein. Computational prediction is inconclusive regarding the impact of this variant on protein structure and function (internally defined REVEL score threshold 0.5 < inconclusive < 0.7, PMID: 27666373). To our knowledge, functional studies have not been reported for this variant. This variant has not been reported in individuals affected with MYH7-related disorders in the literature. This variant has not been identified in the general population by the Genome Aggregation Database (gnomAD). The available evidence is insufficient to determine the role of this variant in disease conclusively. Therefore, this variant is classified as a Variant of Uncertain Significance.

Labcorp Genetics (formerly Invitae), Labcorp
Classification: Uncertain significance for Hypertrophic cardiomyopathy. Last evaluated: 2021-10-19. Review status: criteria provided, single submitter. Criteria: Invitae Variant Classification Sherloc (09022015). Collection method: clinical testing. Allele origin: germline.
Comment: Algorithms developed to predict the effect of missense changes on protein structure and function are either unavailable or do not agree on the potential impact of this missense change (SIFT: "Deleterious"; PolyPhen-2: "Probably Damaging"; Align-GVGD: "Class C0"). ClinVar contains an entry for this variant (Variation ID: 407202). This variant has not been reported in the literature in individuals affected with MYH7-related conditions. This variant is not present in population databases (ExAC no frequency). This sequence change replaces aspartic acid with glutamic acid at codon 1033 of the MYH7 protein (p.Asp1033Glu). The aspartic acid residue is highly conserved and there is a small physicochemical difference between aspartic acid and glutamic acid. In summary, the available evidence is currently insufficient to determine the role of this variant in disease. Therefore, it has been classified as a Variant of Uncertain Significance.

NM_000257.4(MYH7):c.3099T>A (p.Asp1033Glu)

Gene: MYH7 (myosin heavy chain 7; minus strand). Cytogenetic location: 14q11.2.
Variant type: single nucleotide variant.
Coding change: c.3099T>A on transcript NM_000257.4 (MANE Select); coding-DNA position 3099, T replaced by A.
Protein change: p.Asp1033Glu; replaces aspartic acid 1033 with glutamic acid.
Molecular consequence: missense variant.
Genome position (GRCh38, 1-based): chr14:23,423,547, A>T on the plus strand (T>A on the coding strand, the complement: MYH7 is on the minus strand). VCF-style: chr14-23423547-A-T. GRCh37 (hg19) VCF-style: chr14-23892756-A-T.
Other names: c.3099T>A (LRG_384t1); short protein forms D1033E.
Identifiers: ClinVar variation 407202 (VCV000407202.6), dbSNP rs761574227, ClinGen allele CA16614485.